The following is an entry in ClinVar:

ClinVar aggregate classification (germline): Uncertain significance. Review status: criteria provided, multiple submitters, no conflicts (2 of 4 stars). 2 submissions from 2 submitters: Uncertain significance (2). Last evaluated 2025-11-05.

Conditions:
Inborn genetic diseases. Identifiers: MedGen C0950123, MeSH D030342.

Allele frequency attached by ClinVar (database versions not stated): TOPMed 0.00003.
gnomAD v4.1: 47 of 1,614,066 alleles (0.0029%); highest among the groups gnomAD compares: Middle Eastern, 0.016%; no homozygotes.

Submissions (2):

Ambry Genetics
Classification: Uncertain significance for Inborn genetic diseases. Last evaluated: 2025-11-05. Review status: criteria provided, single submitter. Criteria: Ambry Variant Classification Scheme 2023. Collection method: clinical testing. Allele origin: germline.

Labcorp Genetics (formerly Invitae), Labcorp
Classification: Uncertain significance. Last evaluated: 2025-05-19. Review status: criteria provided, single submitter. Criteria: Invitae Variant Classification Sherloc (09022015). Collection method: clinical testing. Allele origin: germline.
Comment: This sequence change replaces serine, which is neutral and polar, with asparagine, which is neutral and polar, at codon 205 of the MERTK protein (p.Ser205Asn). This variant is present in population databases (no rsID available, gnomAD 0.007%). This variant has not been reported in the literature in individuals affected with MERTK-related conditions. ClinVar contains an entry for this variant (Variation ID: 937935). Invitae Evidence Modeling of protein sequence and biophysical properties (such as structural, functional, and spatial information, amino acid conservation, physicochemical variation, residue mobility, and thermodynamic stability) indicates that this missense variant is not expected to disrupt MERTK protein function with a negative predictive value of 80%. In summary, the available evidence is currently insufficient to determine the role of this variant in disease. Therefore, it has been classified as a Variant of Uncertain Significance.

NM_006343.3(MERTK):c.614G>A (p.Ser205Asn)

Gene: MERTK (MER proto-oncogene, tyrosine kinase; plus strand). Cytogenetic location: 2q13.
Variant type: single nucleotide variant.
Coding change: c.614G>A on transcript NM_006343.3 (MANE Select); coding-DNA position 614, G replaced by A.
Protein change: p.Ser205Asn; replaces serine 205 with asparagine.
Molecular consequence: missense variant.
Genome position (GRCh38, 1-based): chr2:111,947,424, G>A. VCF-style: chr2-111947424-G-A. GRCh37 (hg19) VCF-style: chr2-112705001-G-A.
Other names: short protein forms S205N.
Identifiers: ClinVar variation 937935 (VCV000937935.9), dbSNP rs1240257353, ClinGen allele CA348229013.